The following is an entry in ClinVar:

NC_000002.11:g.(?_219679083)_(219679753_?)del

Gene: CYP27A1 (cytochrome P450 family 27 subfamily A member 1; plus strand). Cytogenetic location: 2q35.
Variant type: Deletion.
Identifiers: ClinVar variation 2423391 (VCV002423391.3).

ClinVar aggregate classification (germline): Likely pathogenic (1 of 4 stars; one submission).

Conditions:
Cholestanol storage disease (CTX). Also called: Cerebrotendinous Xanthomatosis; CEREBRAL CHOLESTERINOSIS; CTX: Cerebrotendinous xanthomatosis. Identifiers: Orphanet 909, MedGen C0238052, MONDO:0008948, OMIM 213700.

Submission:

Labcorp Genetics (formerly Invitae), Labcorp
Classification: Likely pathogenic for Cholestanol storage disease. Last evaluated: 2022-08-23. Review status: criteria provided, single submitter. Criteria: Invitae Variant Classification Sherloc (09022015). Collection method: clinical testing. Allele origin: germline.
Comment: This variant is a gross deletion of the genomic region encompassing exon(s) 7-9 of the CYP27A1 gene, which includes the termination codon. This deletion extends beyond the assayed region for this gene and therefore may encompass additional genes. While this deletion is not anticipated to lead to nonsense mediated decay, it is expected to alter mRNA translation or result in a truncated protein product. This variant has not been reported in the literature in individuals affected with CYP27A1-related conditions. This variant disrupts the p.Arg474 amino acid residue in CYP27A1. Other variant(s) that disrupt this residue have been determined to be pathogenic (PMID: 7915755, 10406988, 11903362, 12270007, 17319284, 22336472, 29321515). This suggests that this residue is clinically significant, and that variants that disrupt this residue are likely to be disease-causing. In summary, the currently available evidence indicates that the variant is pathogenic, but additional data are needed to prove that conclusively. Therefore, this variant has been classified as Likely Pathogenic.

Literature cited by the submitters: PubMed 7915755; PubMed 10406988; PubMed 11903362; PubMed 12270007; PubMed 17319284; PubMed 22336472; PubMed 29321515.